The following is an entry in ClinVar:

NM_001267550.2(TTN):c.68007G>A (p.Lys22669=)

Genes: TTN (titin; minus strand), TTN-AS1 (TTN antisense RNA 1; plus strand), LOC126806423 (CDK7 strongly-dependent group 2 enhancer GRCh37_chr2:179443309-179444508; plus strand). Cytogenetic location: 2q31.2.
Variant type: single nucleotide variant.
Coding change: c.68007G>A on transcript NM_001267550.2 (MANE Select); coding-DNA position 68007, G replaced by A.
Protein change: p.Lys22669=; no amino-acid change (lysine 22669 retained).
Molecular consequence: synonymous variant.
Genome position (GRCh38, 1-based): chr2:178,579,023, C>T on the plus strand (G>A on the coding strand, the complement: TTN is on the minus strand). VCF-style: chr2-178579023-C-T. GRCh37 (hg19) VCF-style: chr2-179443750-C-T.
Other names: c.63084G>A, p.Lys21028= (NM_001256850.1); c.40812G>A, p.Lys13604= (NM_003319.4); c.60303G>A, p.Lys20101= (NM_133378.4); c.41187G>A, p.Lys13729= (NM_133432.3); c.41388G>A, p.Lys13796= (NM_133437.4).
Identifiers: ClinVar variation 467407 (VCV000467407.9), dbSNP rs755897447, ClinGen allele CA1991205.
Genomic context (GRCh38, chr2:178,579,023, plus strand): 5'-GTTGTTCACAGAATCCCTCTTCTCTAGGATATAGTTGGTGATTTCAGAACCTCCATCATC[C>T]TTTGGAGGAGCCCACTTTAAGGTCATGGCTTCTGCTGTGACTTCATCAAATTTGATTGGT-3'
Protein context (NP_001254479.2, residues 22659-22679): EAMTLKWAPP[Lys22669=]DDGGSEITNY

ClinVar aggregate classification (germline): Conflicting classifications of pathogenicity. Review status: criteria provided, conflicting classifications (1 of 4 stars). 4 submissions from 4 submitters: Uncertain significance (2); Likely benign (1). 1 of the submissions does not count toward it. Last evaluated 2023-04-08.

Conditions:
TTN-related disorder. Also called: TTN-related disorders; TTN-related condition; TTN-related disease.
Cardiovascular phenotype. Identifiers: MedGen CN230736.
Autosomal recessive limb-girdle muscular dystrophy type 2J (LGMDR10). Also called: Limb-girdle muscular dystrophy, type 2J; MUSCULAR DYSTROPHY, LIMB-GIRDLE, AUTOSOMAL RECESSIVE 10. Identifiers: Orphanet 140922, MedGen C1837342, MONDO:0012127, OMIM 608807.
Dilated cardiomyopathy 1G (CMD1G). Identifiers: Orphanet 154, MedGen C1858763, MONDO:0011400, OMIM 604145.
Myopathy, myofibrillar, 9, with early respiratory failure (MFM9). Also called: EDSTROM MYOPATHY; MYOPATHY, PROXIMAL, WITH EARLY RESPIRATORY MUSCLE INVOLVEMENT; Hereditary myopathy with early respiratory failure; Myopathy, distal, with early respiratory failure, autosomal dominant. Identifiers: Orphanet 178464, Orphanet 34521, MedGen C1863599, MONDO:0011362, OMIM 603689.
Hypertrophic cardiomyopathy 9. Also called: Familial hypertrophic cardiomyopathy 9. Identifiers: MedGen C1861065, MONDO:0013412, OMIM 613765.
Early-onset myopathy with fatal cardiomyopathy (CMYO5). Also called: Salih Myopathy; CONGENITAL MYOPATHY 5 WITH CARDIOMYOPATHY. Identifiers: Orphanet 289377, MedGen C2673677, MONDO:0012714, OMIM 611705. Disease mechanism: loss of function.
Tibial muscular dystrophy (TMD). Also called: UDD MYOPATHY; Tibial muscular dystrophy, tardive; Udd Distal Myopathy – Tibial Muscular Dystrophy. Identifiers: Orphanet 609, MedGen C1838244, MONDO:0010870, OMIM 600334.

Allele frequency attached by ClinVar (database versions not stated): gnomAD 0.00004; TOPMed 0.00005.
gnomAD v4.1: 24 of 1,613,090 alleles (0.0015%); highest among the groups gnomAD compares: South Asian, 0.0055%; no homozygotes.

Submissions (4):

Ambry Genetics
Classification: Likely benign for Cardiovascular phenotype. Last evaluated: 2023-04-08. Review status: criteria provided, single submitter. Criteria: Ambry Variant Classification Scheme 2023. Collection method: clinical testing. Allele origin: germline.

Fulgent Genetics
Classification: Uncertain significance for Tibial muscular dystrophy; Myopathy, myofibrillar, 9, with early respiratory failure; Dilated cardiomyopathy 1G; Autosomal recessive limb-girdle muscular dystrophy type 2J; Early-onset myopathy with fatal cardiomyopathy; Hypertrophic cardiomyopathy 9. Last evaluated: 2021-10-10. Review status: criteria provided, single submitter. Criteria: ACMG Guidelines, 2015. Collection method: clinical testing. Allele origin: unknown.

Labcorp Genetics (formerly Invitae), Labcorp
Classification: Uncertain significance for Dilated cardiomyopathy 1G; Autosomal recessive limb-girdle muscular dystrophy type 2J. Last evaluated: 2019-05-28. Review status: criteria provided, single submitter. Criteria: Invitae Variant Classification Sherloc (09022015). Collection method: clinical testing. Allele origin: germline.
Comment: This sequence change affects codon 22669 of the TTN mRNA. It is a 'silent' change, meaning that it does not change the encoded amino acid sequence of the TTN protein. This variant is present in population databases (rs755897447, ExAC 0.002%). This variant has not been reported in the literature in individuals with TTN-related disease.¬†ClinVar contains an entry for this variant (Variation ID: 467407). This variant identified in the TTN gene is located in the A band of the resulting protein (PMID: 25589632). It is unclear how this variant impacts the function of this protein. Algorithms developed to predict the effect of sequence changes on RNA splicing suggest that this variant may create or strengthen a splice site, but this prediction has not been confirmed by published transcriptional studies. In summary, the available evidence is currently insufficient to determine the role of this variant in disease. Therefore, it has been classified as a Variant of Uncertain Significance.

PreventionGenetics, part of Exact Sciences
Classification: Likely benign for TTN-related condition. Last evaluated: 2024-02-21. Review status: no assertion criteria provided. Collection method: clinical testing. Allele origin: germline. Not counted in ClinVar's aggregate classification.
Comment: This variant is classified as likely benign based on ACMG/AMP sequence variant interpretation guidelines (Richards et al. 2015 PMID: 25741868, with internal and published modifications).

Literature cited by the submitters: PubMed 25589632 (cited by Labcorp Genetics (formerly Invitae), Labcorp).